The following is an entry in ClinVar:

ClinVar aggregate classification (germline): Uncertain significance (1 of 4 stars; one submission).

gnomAD v4.1: 3 of 1,613,964 alleles (0.00019%); highest among the groups gnomAD compares: African/African-American, 0.004%; no homozygotes.

Submission:

Ambry Genetics
Classification: Uncertain significance. Last evaluated: 2025-12-22. Review status: criteria provided, single submitter. Criteria: Ambry Variant Classification Scheme 2023. Collection method: clinical testing. Allele origin: germline.
Comment: The p.K306Q variant (also known as c.916A>C), located in coding exon 1 of the TET2 gene, results from an A to C substitution at nucleotide position 916. The lysine at codon 306 is replaced by glutamine, an amino acid with similar properties. This amino acid position is conserved. In addition, this alteration is predicted to be tolerated by in silico analysis. Based on the available evidence, the clinical significance of this variant remains unclear.

NM_001127208.3(TET2):c.916A>C (p.Lys306Gln)

Genes: TET2 (tet methylcytosine dioxygenase 2; plus strand), TET2-AS1 (TET2 antisense RNA 1; minus strand). Cytogenetic location: 4q24.
Variant type: single nucleotide variant.
Coding change: c.916A>C on transcript NM_001127208.3 (MANE Select); coding-DNA position 916, A replaced by C.
Protein change: p.Lys306Gln; replaces lysine 306 with glutamine.
Molecular consequence: missense variant.
Genome position (GRCh38, 1-based): chr4:105,234,858, A>C. VCF-style: chr4-105234858-A-C. GRCh37 (hg19) VCF-style: chr4-106156015-A-C.
Other names: c.916A>C, p.Lys306Gln (NM_017628.4); short protein forms K306Q.
Identifiers: ClinVar variation 4843490 (VCV004843490.1).